The following is an entry in ClinVar:

NM_000070.3(CAPN3):c.2318_2321dup (p.His774fs)

Gene: CAPN3 (calpain 3; plus strand). Cytogenetic location: 15q15.1.
Variant type: Duplication.
Coding change: c.2318_2321dup on transcript NM_000070.3 (MANE Select); coding-DNA positions 2318 to 2321, 4 bases duplicated (AACA; older notation c.2318_2321dupAACA).
Protein change: p.His774fs; shifts the reading frame from histidine 774.
Molecular consequence: frameshift variant.
Genome position (GRCh38, 1-based): chr15:42,410,938-42,410,941, AACA duplicated; duplicating any 4 consecutive bases within chr15:42,410,935-42,410,941 gives the same sequence; the c. name uses the placement nearest the transcript's 3' end. VCF-style (leftmost placement, unchanged base first): chr15-42410934-G-GACAA. GRCh37 (hg19) VCF-style: chr15-42703132-G-GACAA.
Other names: c.2300_2303dup, p.His768fs (NM_024344.2); c.2042_2045dup, p.His682fs (NM_173087.2); c.782_785dup, p.His262fs (NM_173088.2); c.323_326dup, p.His109fs (NM_173089.2, NM_173090.2); short protein forms H262fs, H768fs, H682fs, H774fs, H109fs.
Identifiers: ClinVar variation 837037 (VCV000837037.12), dbSNP rs1457010016, ClinGen allele CA712904495.
Genomic context (GRCh38, chr15:42,410,934, plus strand): 5'-CCCTCCACAGGATTCCACCTCAACAACCAGCTCTATGACATCATTACCATGCGGTACGCA[G>GACAA]ACAAACACATGAACATCGACTTTGACAGTTTCATCTGCTGCTTCGTTAGGCTGGAGGGCA-3'

ClinVar aggregate classification (germline): Pathogenic/Likely pathogenic. Review status: criteria provided, multiple submitters, no conflicts (2 of 4 stars). 3 submissions from 3 submitters: Pathogenic (2); Likely pathogenic (1). Last evaluated 2024-08-30.

Conditions:
CAPN3-related disorder. Also called: CAPN3-related disorders; CAPN3-related condition. Identifiers: MedGen CN239245.
Autosomal recessive limb-girdle muscular dystrophy type 2A (LGMDR1). Also called: LEYDEN-MOEBIUS MUSCULAR DYSTROPHY; MUSCULAR DYSTROPHY, PELVOFEMORAL; Limb-girdle muscular dystrophy, type 2A; Calpainopathy; Muscular dystrophy, limb-girdle, type 2A, Amish. Identifiers: Orphanet 267, MedGen C1869123, MONDO:0009675, OMIM 253600. Disease mechanism: loss of function.

Submissions (3):

Blueprint Genetics
Classification: Likely pathogenic for CAPN3-related disorders. Last evaluated: 2024-08-30. Review status: criteria provided, single submitter. Criteria: ACMG Guidelines, 2015. Collection method: clinical testing. Allele origin: germline. Affected: yes. Observed: 5 variant alleles.

Labcorp Genetics (formerly Invitae), Labcorp
Classification: Pathogenic for Autosomal recessive limb-girdle muscular dystrophy type 2A. Last evaluated: 2023-02-22. Review status: criteria provided, single submitter. Criteria: Invitae Variant Classification Sherloc (09022015). Collection method: clinical testing. Allele origin: germline.
Comment: For these reasons, this variant has been classified as Pathogenic. ClinVar contains an entry for this variant (Variation ID: 837037). This premature translational stop signal has been observed in individual(s) with CAPN3-related conditions (PMID: 32994280). This variant is not present in population databases (gnomAD no frequency). This sequence change creates a premature translational stop signal (p.His774Glnfs*8) in the CAPN3 gene. It is expected to result in an absent or disrupted protein product. Loss-of-function variants in CAPN3 are known to be pathogenic (PMID: 10330340, 15689361).

Revvity Omics, Revvity
Classification: Pathogenic. Last evaluated: 2019-10-22. Review status: criteria provided, single submitter. Criteria: ACMG Guidelines, 2015. Collection method: clinical testing. Allele origin: germline.

Literature cited by the submitters: PubMed 32994280 (cited by Labcorp Genetics (formerly Invitae), Labcorp); PubMed 10330340 (cited by Labcorp Genetics (formerly Invitae), Labcorp); PubMed 15689361 (cited by Labcorp Genetics (formerly Invitae), Labcorp).